The following is an entry in ClinVar:

ClinVar aggregate classification (germline): Pathogenic (1 of 4 stars; one submission).

Allele frequency attached by ClinVar (database versions not stated): gnomAD exomes below 0.00001.
gnomAD v4.1: 7 of 1,614,128 alleles (0.00043%); highest among the groups gnomAD compares: South Asian, 0.0011%; no homozygotes.

Submission:

Labcorp Genetics (formerly Invitae), Labcorp
Classification: Pathogenic. Last evaluated: 2020-06-02. Review status: criteria provided, single submitter. Criteria: Invitae Variant Classification Sherloc (09022015). Collection method: clinical testing. Allele origin: germline.
Comment: For these reasons, this variant has been classified as Pathogenic. Loss-of-function variants in USH2A are known to be pathogenic (PMID: 10729113, 10909849, 20507924, 25649381). This variant has not been reported in the literature in individuals with USH2A-related conditions. This variant is not present in population databases (ExAC no frequency). This sequence change creates a premature translational stop signal (p.Cys826*) in the USH2A gene. It is expected to result in an absent or disrupted protein product.

Literature cited by the submitters: PubMed 10729113; PubMed 10909849; PubMed 20507924; PubMed 25649381.

NM_206933.4(USH2A):c.2478C>A (p.Cys826Ter)

Genes: USH2A (usherin; minus strand), LOC122152296 (Sharpr-MPRA regulatory region 8762; plus strand). Cytogenetic location: 1q41.
Variant type: single nucleotide variant.
Coding change: c.2478C>A on transcript NM_206933.4 (MANE Select); coding-DNA position 2478, C replaced by A.
Protein change: p.Cys826Ter; replaces cysteine 826 with a stop codon.
Molecular consequence: nonsense.
Genome position (GRCh38, 1-based): chr1:216,246,916, G>T on the plus strand (C>A on the coding strand, the complement: USH2A is on the minus strand). VCF-style: chr1-216246916-G-T. GRCh37 (hg19) VCF-style: chr1-216420258-G-T.
Other names: c.2478C>A, p.Cys826Ter (NM_007123.6); short protein forms C826*.
Identifiers: ClinVar variation 1076567 (VCV001076567.7), dbSNP rs1380141085, ClinGen allele CA344864710.
Genomic context (GRCh38, chr1:216,246,916, plus strand): 5'-AGGCAGACAGAGGAAAGAATTATTTTGCCGTAGGTAGAAGTTTCCCTCCAAACATTTATT[G>T]CACTGTCTCCCTTCAACATTGGGCTTGCAGATGCACTGCCCTGTCTTAGCATTACAGACA-3'